The following is an entry in ClinVar:

ClinVar aggregate classification (germline): Uncertain significance (1 of 4 stars; one submission).

Conditions:
Alstrom syndrome (ALMS). Identifiers: Orphanet 64, MedGen C0268425, MONDO:0008763, OMIM 203800.

gnomAD v4.1: 2 of 1,614,128 alleles (0.00012%); highest among the groups gnomAD compares: Non-Finnish European, 0.00017%; no homozygotes.

Submission:

Labcorp Genetics (formerly Invitae), Labcorp
Classification: Uncertain significance for Alstrom syndrome. Last evaluated: 2022-10-17. Review status: criteria provided, single submitter. Criteria: Invitae Variant Classification Sherloc (09022015). Collection method: clinical testing. Allele origin: germline.
Comment: This variant has not been reported in the literature in individuals affected with ALMS1-related conditions. In summary, the available evidence is currently insufficient to determine the role of this variant in disease. Therefore, it has been classified as a Variant of Uncertain Significance. Experimental studies and prediction algorithms are not available or were not evaluated, and the functional significance of this variant is currently unknown. ClinVar contains an entry for this variant (Variation ID: 861857). This variant is not present in population databases (gnomAD no frequency). This sequence change replaces serine, which is neutral and polar, with glycine, which is neutral and non-polar, at codon 2972 of the ALMS1 protein (p.Ser2972Gly).

NM_001378454.1(ALMS1):c.8911A>G (p.Ser2971Gly)

Gene: ALMS1 (ALMS1 centrosome and basal body associated protein; plus strand). Cytogenetic location: 2p13.1.
Variant type: single nucleotide variant.
Coding change: c.8911A>G on transcript NM_001378454.1 (MANE Select); coding-DNA position 8911, A replaced by G.
Protein change: p.Ser2971Gly; replaces serine 2971 with glycine.
Molecular consequence: missense variant.
Genome position (GRCh38, 1-based): chr2:73,490,870, A>G. VCF-style: chr2-73490870-A-G. GRCh37 (hg19) VCF-style: chr2-73717997-A-G.
Other names: c.8914A>G, p.Ser2972Gly (NM_015120.4); short protein forms S2971G, S2972G.
Identifiers: ClinVar variation 861857 (VCV000861857.9), dbSNP rs746825059, ClinGen allele CA347271431.
Genomic context (GRCh38, chr2:73,490,870, plus strand): 5'-CAAGGTCAGGATTCTATAGCTTCAGACCTTCCGTCTCCCATTTCTCTTGAACAATGCCAA[A>G]GCAAAGCGCCAGGTGTAGATGACCAAATGAATAAACACCATTTTCCCCTTCCTCAAGGTC-3'
Protein context (NP_001365383.1, residues 2961-2981): PSPISLEQCQ[Ser2971Gly]KAPGVDDQMN